The following is an entry in ClinVar:

ClinVar aggregate classification (germline): Benign/Likely benign. Review status: criteria provided, multiple submitters, no conflicts (2 of 4 stars). 5 submissions from 5 submitters: Benign (1); Likely benign (2). 2 of the submissions do not count toward it. Last evaluated 2025-12-09.

Allele frequency attached by ClinVar (database versions not stated): ESP Exome Variant Server 0.00008; gnomAD 0.00009 and 0.00014; TOPMed 0.00011; gnomAD exomes 0.00025 and 0.00044; ExAC 0.00055; 1000 Genomes Project 0.00060; 1000 Genomes Project 30x 0.00062.
gnomAD v4.1: 389 of 1,614,172 alleles (0.024%); highest among the groups gnomAD compares: Middle Eastern, 0.28%; 2 homozygotes.

Submissions (5):

Labcorp Genetics (formerly Invitae), Labcorp
Classification: Benign. Last evaluated: 2025-12-09. Review status: criteria provided, single submitter. Criteria: Invitae Variant Classification Sherloc (09022015). Collection method: clinical testing. Allele origin: germline.

Blueprint Genetics
Classification: Likely benign. Last evaluated: 2024-11-14. Review status: criteria provided, single submitter. Criteria: ACMG Guidelines, 2015. Collection method: clinical testing. Allele origin: germline.

CeGaT Center for Human Genetics Tuebingen
Classification: Likely benign. Last evaluated: 2022-09-01. Review status: criteria provided, single submitter. Criteria: CeGaT Center For Human Genetics Tuebingen Variant Classification Criteria Version 2. Collection method: clinical testing. Allele origin: germline. Affected: yes. Observed: 1 variant allele.
Comment: ADAMTS18: BP4, BP7

Clinical Genetics DNA and cytogenetics Diagnostics Lab, Erasmus MC, Erasmus Medical Center
Classification: Likely benign. Review status: no assertion criteria provided. Collection method: clinical testing. Allele origin: germline. Affected: yes. Study: VKGL Data-share Consensus. Not counted in ClinVar's aggregate classification.

Clinical Genetics, Academic Medical Center
Classification: Benign. Review status: no assertion criteria provided. Collection method: clinical testing. Allele origin: germline. Affected: yes. Study: VKGL Data-share Consensus. Not counted in ClinVar's aggregate classification.

NM_199355.4(ADAMTS18):c.2508C>T (p.Pro836=)

Gene: ADAMTS18 (ADAM metallopeptidase with thrombospondin type 1 motif 18; minus strand). Cytogenetic location: 16q23.1.
Variant type: single nucleotide variant.
Coding change: c.2508C>T on transcript NM_199355.4 (MANE Select); coding-DNA position 2508, C replaced by T.
Protein change: p.Pro836=; no amino-acid change (proline 836 retained).
Molecular consequence: synonymous variant.
Genome position (GRCh38, 1-based): chr16:77,319,873, G>A on the plus strand (C>T on the coding strand, the complement: ADAMTS18 is on the minus strand). VCF-style: chr16-77319873-G-A. GRCh37 (hg19) VCF-style: chr16-77353770-G-A.
Other names: c.1992C>T, p.Pro664= (NM_001326358.2).
Identifiers: ClinVar variation 731680 (VCV000731680.38), dbSNP rs140646033, ClinGen allele CA8180883.